The following is an entry in ClinVar:

NM_032043.3(BRIP1):c.2180C>A (p.Pro727Gln)

Gene: BRIP1 (BRCA1 interacting DNA helicase 1; minus strand). Cytogenetic location: 17q23.2.
Variant type: single nucleotide variant.
Coding change: c.2180C>A on transcript NM_032043.3 (MANE Select); coding-DNA position 2180, C replaced by A.
Protein change: p.Pro727Gln; replaces proline 727 with glutamine.
Molecular consequence: missense variant.
Genome position (GRCh38, 1-based): chr17:61,744,509, G>T on the plus strand (C>A on the coding strand, the complement: BRIP1 is on the minus strand). VCF-style: chr17-61744509-G-T. GRCh37 (hg19) VCF-style: chr17-59821870-G-T.
Other names: short protein forms P727Q.
Identifiers: ClinVar variation 921355 (VCV000921355.7), dbSNP rs876659309, ClinGen allele CA400483078.
Genomic context (GRCh38, chr17:61,744,509, plus strand): 5'-TTGATTGCGTCATAGTACACCTGCAGTAATTCATCAAAATTTGTTTTTTCTCCTCCCTGT[G>T]GTTCTACAATGACTGTCTTCACCAACTCCAGATTATGCCATAAACCAGTAGAGAGCCAAC-3'
Protein context (NP_114432.2, residues 717-737): LELVKTVIVE[Pro727Gln]QGGEKTNFDE

ClinVar aggregate classification (germline): Uncertain significance. Review status: criteria provided, multiple submitters, no conflicts (2 of 4 stars). 2 submissions from 2 submitters: Uncertain significance (2). Last evaluated 2023-12-15.

Conditions:
Hereditary cancer-predisposing syndrome. Also called: Hereditary Cancer Syndrome; Hereditary neoplastic syndrome; Neoplastic Syndromes, Hereditary; Tumor predisposition. Identifiers: Orphanet 140162, MedGen C0027672, MeSH D009386, MONDO:0015356.
Familial cancer of breast. Also called: hereditary breast carcinoma; BREAST CANCER, FAMILIAL; Hereditary breast cancer. Identifiers: Orphanet 227535, MedGen C0346153, MONDO:0016419, OMIM 114480. Disease mechanism: loss of function.
Fanconi anemia complementation group J. Also called: BRIP1-Related Fanconi Anemia. Identifiers: Orphanet 84, MedGen C1836860, MONDO:0012187, OMIM 609054.

Submissions (2):

Labcorp Genetics (formerly Invitae), Labcorp
Classification: Uncertain significance for Familial cancer of breast; Fanconi anemia complementation group J. Last evaluated: 2023-12-15. Review status: criteria provided, single submitter. Criteria: Invitae Variant Classification Sherloc (09022015). Collection method: clinical testing. Allele origin: germline.
Comment: This sequence change replaces proline, which is neutral and non-polar, with glutamine, which is neutral and polar, at codon 727 of the BRIP1 protein (p.Pro727Gln). This variant is not present in population databases (gnomAD no frequency). This variant has not been reported in the literature in individuals affected with BRIP1-related conditions. ClinVar contains an entry for this variant (Variation ID: 921355). Advanced modeling of protein sequence and biophysical properties (such as structural, functional, and spatial information, amino acid conservation, physicochemical variation, residue mobility, and thermodynamic stability) performed at Invitae indicates that this missense variant is expected to disrupt BRIP1 protein function with a positive predictive value of 80%. In summary, the available evidence is currently insufficient to determine the role of this variant in disease. Therefore, it has been classified as a Variant of Uncertain Significance.

Color Diagnostics, LLC DBA Color Health
Classification: Uncertain significance for Hereditary cancer-predisposing syndrome. Last evaluated: 2023-12-05. Review status: criteria provided, single submitter. Criteria: ACMG Guidelines, 2015. Collection method: clinical testing. Allele origin: germline.
Comment: This missense variant replaces proline with glutamine at codon 727 of the BRIP1 protein. Computational prediction suggests that this variant may have deleterious impact on protein structure and function (internally defined REVEL score threshold >= 0.7, PMID: 27666373). To our knowledge, functional studies have not been reported for this variant. This variant has not been reported in individuals affected with BRIP1-related disorders in the literature. This variant has not been identified in the general population by the Genome Aggregation Database (gnomAD). The available evidence is insufficient to determine the role of this variant in disease conclusively. Therefore, this variant is classified as a Variant of Uncertain Significance.